The following is an entry in ClinVar:

ClinVar aggregate classification (germline): Uncertain significance (1 of 4 stars; one submission).

Conditions:
Epidermolysis bullosa simplex 3, localized or generalized intermediate, with BP230 deficiency (EBS3). Also called: Epidermolysis bullosa simplex due to BP230 deficiency; Epidermolysis bullosa simplex, autosomal recessive 2. Identifiers: Orphanet 412181, MedGen C3809470, MONDO:0014180, OMIM 615425.
Hereditary sensory and autonomic neuropathy type 6. Also called: Neuropathy, hereditary sensory and autonomic, type VI; HSAN VI. Identifiers: Orphanet 314381, MedGen C3539003, MONDO:0013839, OMIM 614653.

gnomAD v4.1: 5 of 1,614,044 alleles (0.00031%); highest among the groups gnomAD compares: Non-Finnish European, 0.00042%; no homozygotes.

Submission:

Labcorp Genetics (formerly Invitae), Labcorp
Classification: Uncertain significance for Epidermolysis bullosa simplex 3, localized or generalized intermediate, with BP230 deficiency; Hereditary sensory and autonomic neuropathy type 6. Last evaluated: 2024-07-30. Review status: criteria provided, single submitter. Criteria: Invitae Variant Classification Sherloc (09022015). Collection method: clinical testing. Allele origin: germline.
Comment: This sequence change replaces phenylalanine, which is neutral and non-polar, with leucine, which is neutral and non-polar, at codon 2558 of the DST protein (p.Phe2558Leu). This variant is present in population databases (no rsID available, gnomAD 0.002%). This variant has not been reported in the literature in individuals affected with DST-related conditions. An algorithm developed to predict the effect of missense changes on protein structure and function (PolyPhen-2) suggests that this variant is likely to be tolerated. In summary, the available evidence is currently insufficient to determine the role of this variant in disease. Therefore, it has been classified as a Variant of Uncertain Significance.

NM_001723.7(DST):c.7672T>C (p.Phe2558Leu)

Gene: DST (dystonin; minus strand). Cytogenetic location: 6p12.1.
Variant type: single nucleotide variant.
Coding change: c.7672T>C on transcript NM_001723.7 (MANE Plus Clinical); coding-DNA position 7672, T replaced by C.
Protein change: p.Phe2558Leu; replaces phenylalanine 2558 with leucine.
Molecular consequence: missense variant. On other transcripts: intron variant (10).
Genome position (GRCh38, 1-based): chr6:56,615,795, A>G on the plus strand (T>C on the coding strand, the complement: DST is on the minus strand). VCF-style: chr6-56615795-A-G. GRCh37 (hg19) VCF-style: chr6-56480593-A-G.
Other names: c.4831-1311T>C (NM_001144769.5); c.4930-1311T>C (NM_001374722.1, NM_001374736.1); c.4957-1311T>C (NM_001374734.1); c.4417-1311T>C (NM_001144770.2); c.4297-1311T>C (NM_001374730.1, NM_001386100.1, NM_183380.4 and 1 more transcripts); c.3319-1311T>C (NM_015548.5); short protein forms F2558L.
Identifiers: ClinVar variation 3761264 (VCV003761264.2).
Genomic context (GRCh38, chr6:56,615,795, plus strand): 5'-CTTCTATTGATAACCGAGAGTGAACCTGTGGCTCTATCAACCCTCCTGTCAAGTACTGAA[A>G]TTCCAAACATCGGATTCCCATTTCCTTATTTATAATATTTGCATTCACAGCTTCCACCAC-3'
Protein context (NP_001714.1, residues 2548-2568): NKEMGIRCLE[Phe2558Leu]QYLTGGLIEP